The following is an entry in ClinVar:

ClinVar aggregate classification (germline): Uncertain significance (1 of 4 stars; one submission).

Conditions:
Familial intrahepatic cholestasis. Identifiers: Orphanet 284385, MedGen CN296401, MONDO:0017290.

Submission:

Genomenon, Inc
Classification: Uncertain significance for Familial intrahepatic cholestasis. Last evaluated: 2026-04-14. Review status: criteria provided, single submitter. Criteria: Genomenon Sequence Variant Interpretation Standards - Updated. Collection method: curation. Allele origin: germline. Affected: no.
Comment: ATP8B1 p.Leu128Val (c.382C>G) is a missense variant that changes the amino acid at residue 128 from Leucine to Valine. This variant has been reported in the published literature (PMID:37208429). It is absent or not present at a significant frequency in gnomAD. In conclusion, we classify ATP8B1 p.Leu128Val (c.382C>G) as a variant of uncertain significance.

Literature cited by the submitters: PubMed 37208429.

NM_001374385.1(ATP8B1):c.382C>G (p.Leu128Val)

Gene: ATP8B1 (ATPase phospholipid transporting 8B1; minus strand). Cytogenetic location: 18q21.31.
Variant type: single nucleotide variant.
Coding change: c.382C>G on transcript NM_001374385.1 (MANE Select); coding-DNA position 382, C replaced by G.
Protein change: p.Leu128Val; replaces leucine 128 with valine.
Molecular consequence: missense variant.
Genome position (GRCh38, 1-based): chr18:57,704,566, G>C on the plus strand (C>G on the coding strand, the complement: ATP8B1 is on the minus strand). VCF-style: chr18-57704566-G-C. GRCh37 (hg19) VCF-style: chr18-55371798-G-C.
Other names: c.232C>G, p.Leu78Val (NM_001374386.1); c.382C>G, p.Leu128Val (NM_005603.6); short protein forms L128V, L78V.
Identifiers: ClinVar variation 4846252 (VCV004846252.1).
Genomic context (GRCh38, chr18:57,704,566, plus strand): 5'-TATCGAGTCACTATAATTCAAACAGATTTAAGATAGCAAAGGGCATTACCTGTAAGATAA[G>C]AAGAGCCAGGAAATATAAATTGGCTGCTCTCTTAAACTGCTCAAACAGATTCATTGGTAT-3'
Protein context (NP_001361314.1, residues 118-138): RAANLYFLAL[Leu128Val]ILQAVPQIST